The following is an entry in ClinVar:

ClinVar aggregate classification (germline): Uncertain significance. Review status: criteria provided, multiple submitters, no conflicts (2 of 4 stars). 2 submissions from 2 submitters: Uncertain significance (2). Last evaluated 2024-08-30.

Conditions:
Inborn genetic diseases. Identifiers: MedGen C0950123, MeSH D030342.

Allele frequency attached by ClinVar (database versions not stated): ExAC 0.00007; gnomAD 0.00007; TOPMed 0.00012; 1000 Genomes Project 30x 0.00016; 1000 Genomes Project 0.00020; ESP Exome Variant Server 0.00031.
gnomAD v4.1: 47 of 1,613,900 alleles (0.0029%); highest among the groups gnomAD compares: African/African-American, 0.04%; no homozygotes.

Submissions (2):

GeneDx
Classification: Uncertain significance. Last evaluated: 2024-08-30. Review status: criteria provided, single submitter. Criteria: GeneDx Variant Classification Process June 2021. Collection method: clinical testing. Allele origin: germline. Affected: yes.
Comment: In silico analysis supports that this missense variant has a deleterious effect on protein structure/function; Has not been previously published as pathogenic or benign to our knowledge

Ambry Genetics
Classification: Uncertain significance for Inborn genetic diseases. Last evaluated: 2021-09-16. Review status: criteria provided, single submitter. Criteria: Ambry Variant Classification Scheme 2023. Collection method: clinical testing. Allele origin: germline.

NM_002863.5(PYGL):c.475G>A (p.Gly159Ser)

Gene: PYGL (glycogen phosphorylase L; minus strand). Cytogenetic location: 14q22.1.
Variant type: single nucleotide variant.
Coding change: c.475G>A on transcript NM_002863.5 (MANE Select); coding-DNA position 475, G replaced by A.
Protein change: p.Gly159Ser; replaces glycine 159 with serine.
Molecular consequence: missense variant.
Genome position (GRCh38, 1-based): chr14:50,931,726, C>T on the plus strand (G>A on the coding strand, the complement: PYGL is on the minus strand). VCF-style: chr14-50931726-C-T. GRCh37 (hg19) VCF-style: chr14-51398444-C-T.
Other names: c.373G>A, p.Gly125Ser (NM_001163940.2); short protein forms G125S, G159S.
Identifiers: ClinVar variation 2250106 (VCV002250106.3), dbSNP rs139032686, ClinGen allele CA7183796.